The following is an entry in ClinVar:

ClinVar aggregate classification (germline): Uncertain significance (1 of 4 stars; one submission).

Submission:

Ambry Genetics
Classification: Uncertain significance. Last evaluated: 2026-02-24. Review status: criteria provided, single submitter. Criteria: Ambry Variant Classification Scheme 2023. Collection method: clinical testing. Allele origin: germline.
Comment: The p.M695I variant (also known as c.2085G>A), located in coding exon 1 of the TET2 gene, results from a G to A substitution at nucleotide position 2085. The methionine at codon 695 is replaced by isoleucine, an amino acid with highly similar properties. This amino acid position is conserved. In addition, this alteration is predicted to be tolerated by in silico analysis. Based on the available evidence, the clinical significance of this variant remains unclear.

NM_001127208.3(TET2):c.2085G>A (p.Met695Ile)

Genes: TET2 (tet methylcytosine dioxygenase 2; plus strand), TET2-AS1 (TET2 antisense RNA 1; minus strand). Cytogenetic location: 4q24.
Variant type: single nucleotide variant.
Coding change: c.2085G>A on transcript NM_001127208.3 (MANE Select); coding-DNA position 2085, G replaced by A.
Protein change: p.Met695Ile; replaces methionine 695 with isoleucine.
Molecular consequence: missense variant.
Genome position (GRCh38, 1-based): chr4:105,236,027, G>A. VCF-style: chr4-105236027-G-A. GRCh37 (hg19) VCF-style: chr4-106157184-G-A.
Other names: c.2085G>A, p.Met695Ile (NM_017628.4); short protein forms M695I.
Identifiers: ClinVar variation 4827244 (VCV004827244.1).
Genomic context (GRCh38, chr4:105,236,027, plus strand): 5'-ACTGTGTGGCACTAGATTTCATTTTCAACAAAGAGCAGATTCCCAAACTGAAAAACTTAT[G>A]TCCCCAGTGTTGAAACAGCACTTGAATCAACAGGCTTCAGAGACTGAGCCATTTTCAAAC-3'
Protein context (NP_001120680.1, residues 685-705): QRADSQTEKL[Met695Ile]SPVLKQHLNQ